The following is an entry in ClinVar:

ClinVar aggregate classification (germline): Benign/Likely benign. Review status: criteria provided, multiple submitters, no conflicts (2 of 4 stars). 9 submissions from 9 submitters: Benign (3); Likely benign (4). 2 of the submissions do not count toward it. Last evaluated 2026-01-31.

Conditions:
Kufor-Rakeb syndrome (KRS). Also called: PARKINSON DISEASE 9, AUTOSOMAL RECESSIVE, JUVENILE-ONSET. Identifiers: Orphanet 306674, Orphanet 314632, MedGen C1847640, MONDO:0011706, OMIM 606693.
Autosomal recessive spastic paraplegia type 78. Identifiers: Orphanet 513436, MedGen C5567893, MONDO:0014975, OMIM 617225.
Inborn genetic diseases. Identifiers: MedGen C0950123, MeSH D030342.

Allele frequency attached by ClinVar (database versions not stated): ESP Exome Variant Server 0.00015; gnomAD 0.00039 and 0.00042; TOPMed 0.00055; gnomAD exomes 0.00075; ExAC 0.00078; 1000 Genomes Project 30x 0.00109; 1000 Genomes Project 0.00140.
gnomAD v4.1: 425 of 1,613,502 alleles (0.026%); highest among the groups gnomAD compares: East Asian, 0.53%; 11 homozygotes.

Submissions (9):

Labcorp Genetics (formerly Invitae), Labcorp
Classification: Benign for Kufor-Rakeb syndrome; Autosomal recessive spastic paraplegia type 78. Last evaluated: 2026-01-31. Review status: criteria provided, single submitter. Criteria: Invitae Variant Classification Sherloc (09022015). Collection method: clinical testing. Allele origin: germline.

CeGaT Center for Human Genetics Tuebingen
Classification: Likely benign. Last evaluated: 2025-11-01. Review status: criteria provided, single submitter. Criteria: CeGaT Center For Human Genetics Tuebingen Variant Classification Criteria Version 2. Collection method: clinical testing. Allele origin: germline. Affected: yes. Observed: 2 variant alleles.
Comment: ATP13A2: BP4, BP7

Blueprint Genetics
Classification: Likely benign. Last evaluated: 2024-10-14. Review status: criteria provided, single submitter. Criteria: ACMG Guidelines, 2015. Collection method: clinical testing. Allele origin: germline.

Fulgent Genetics
Classification: Likely benign for Kufor-Rakeb syndrome; Autosomal recessive spastic paraplegia type 78. Last evaluated: 2021-10-26. Review status: criteria provided, single submitter. Criteria: ACMG Guidelines, 2015. Collection method: clinical testing. Allele origin: unknown.

GeneDx
Classification: Likely benign. Last evaluated: 2020-12-30. Review status: criteria provided, single submitter. Criteria: GeneDx Variant Classification Process June 2021. Collection method: clinical testing. Allele origin: germline. Affected: yes.

Ambry Genetics
Classification: Benign for Inborn genetic diseases. Last evaluated: 2017-08-30. Review status: criteria provided, single submitter. Criteria: Ambry Variant Classification Scheme 2023. Collection method: clinical testing. Allele origin: germline.

Illumina Laboratory Services, Illumina
Classification: Benign for Kufor-Rakeb syndrome. Last evaluated: 2017-04-27. Review status: criteria provided, single submitter. Criteria: ICSL Variant Classification Criteria 13 December 2019. Collection method: clinical testing. Allele origin: germline.
Comment: This variant was observed as part of a predisposition screen in an ostensibly healthy population. A literature search was performed for the gene, cDNA change, and amino acid change (where applicable). Publications were found based on this search. The evidence from the literature, in combination with allele frequency data from public databases where available, was sufficient to rule this variant out of causing disease. Therefore, this variant is classified as benign.

Clinical Genetics DNA and cytogenetics Diagnostics Lab, Erasmus MC, Erasmus Medical Center
Classification: Likely benign. Review status: no assertion criteria provided. Collection method: clinical testing. Allele origin: germline. Affected: yes. Study: VKGL Data-share Consensus. Not counted in ClinVar's aggregate classification.

Diagnostic Laboratory, Department of Genetics, University Medical Center Groningen
Classification: Likely benign. Review status: no assertion criteria provided. Collection method: clinical testing. Allele origin: germline. Affected: yes. Study: VKGL Data-share Consensus. Not counted in ClinVar's aggregate classification.

Literature cited by the submitters: PubMed 20137506 (cited by Illumina Laboratory Services, Illumina); PubMed 21714071 (cited by Illumina Laboratory Services, Illumina); PubMed 19015489 (cited by Illumina Laboratory Services, Illumina).

NM_022089.4(ATP13A2):c.3087C>T (p.Phe1029=)

Gene: ATP13A2 (ATPase cation transporting 13A2; minus strand). Cytogenetic location: 1p36.13.
Variant type: single nucleotide variant.
Coding change: c.3087C>T on transcript NM_022089.4 (MANE Select); coding-DNA position 3087, C replaced by T.
Protein change: p.Phe1029=; no amino-acid change (phenylalanine 1029 retained).
Molecular consequence: synonymous variant.
Genome position (GRCh38, 1-based): chr1:16,986,953, G>A on the plus strand (C>T on the coding strand, the complement: ATP13A2 is on the minus strand). VCF-style: chr1-16986953-G-A. GRCh37 (hg19) VCF-style: chr1-17313448-G-A.
Other names: c.3072C>T, p.Phe1024= (NM_001141973.3); c.2955C>T, p.Phe985= (NM_001141974.3).
Identifiers: ClinVar variation 705032 (VCV000705032.30), dbSNP rs184878897, ClinGen allele CA636599.